The following is an entry in ClinVar:

NM_020937.4(FANCM):c.4681A>G (p.Met1561Val)

Gene: FANCM (FA complementation group M; plus strand). Cytogenetic location: 14q21.2.
Variant type: single nucleotide variant.
Coding change: c.4681A>G on transcript NM_020937.4 (MANE Select); coding-DNA position 4681, A replaced by G.
Protein change: p.Met1561Val; replaces methionine 1561 with valine.
Molecular consequence: missense variant.
Genome position (GRCh38, 1-based): chr14:45,187,789, A>G. VCF-style: chr14-45187789-A-G. GRCh37 (hg19) VCF-style: chr14-45656992-A-G.
Other names: c.4681A>G (NM_020937.2); c.4603A>G, p.Met1535Val (NM_001308133.2); short protein forms M1535V, M1561V.
Identifiers: ClinVar variation 1056365 (VCV001056365.10), dbSNP rs2139291810, ClinGen allele CA389609727.
Genomic context (GRCh38, chr14:45,187,789, plus strand): 5'-GTTTTCATTTAAATAATTTTGCTAATTTATCTAAATTCTTATCTTTACACAGATTCTGAA[A>G]TGAGAGCTATTTACATGAAATCTTTGCGTAGTCCAATGATGAACAATAAGTACAAAATGA-3'
Protein context (NP_065988.1, residues 1551-1571): QLSQAINDSE[Met1561Val]RAIYMKSLRS

ClinVar aggregate classification (germline): Uncertain significance. Review status: criteria provided, multiple submitters, no conflicts (2 of 4 stars). 2 submissions from 2 submitters: Uncertain significance (2). Last evaluated 2025-11-16.

Conditions:
Fanconi anemia (FA). Also called: Fanconi's anemia. Identifiers: Orphanet 84, MedGen C0015625, MeSH D005199, MONDO:0019391.
Inborn genetic diseases. Identifiers: MedGen C0950123, MeSH D030342.

Allele frequency attached by ClinVar (database versions not stated): gnomAD exomes below 0.00001.

Submissions (2):

Ambry Genetics
Classification: Uncertain significance for Inborn genetic diseases. Last evaluated: 2025-11-16. Review status: criteria provided, single submitter. Criteria: Ambry Variant Classification Scheme 2023. Collection method: clinical testing. Allele origin: germline.
Comment: The p.M1561V variant (also known as c.4681A>G), located in coding exon 19 of the FANCM gene, results from an A to G substitution at nucleotide position 4681. The methionine at codon 1561 is replaced by valine, an amino acid with highly similar properties. This amino acid position is conserved. In addition, the in silico prediction for this alteration is inconclusive. Based on the available evidence, the clinical significance of this variant remains unclear.

Labcorp Genetics (formerly Invitae), Labcorp
Classification: Uncertain significance for Fanconi anemia. Last evaluated: 2025-04-28. Review status: criteria provided, single submitter. Criteria: Invitae Variant Classification Sherloc (09022015). Collection method: clinical testing. Allele origin: germline.
Comment: This sequence change replaces methionine, which is neutral and non-polar, with valine, which is neutral and non-polar, at codon 1561 of the FANCM protein (p.Met1561Val). This variant is not present in population databases (gnomAD no frequency). This variant has not been reported in the literature in individuals affected with FANCM-related conditions. ClinVar contains an entry for this variant (Variation ID: 1056365). An algorithm developed to predict the effect of missense changes on protein structure and function (PolyPhen-2) suggests that this variant is likely to be disruptive. In summary, the available evidence is currently insufficient to determine the role of this variant in disease. Therefore, it has been classified as a Variant of Uncertain Significance.